The following is an entry in ClinVar:

ClinVar aggregate classification (germline): Uncertain significance (1 of 4 stars; one submission).

Conditions:
Psoriasis 2. Identifiers: MedGen C1864497, MONDO:0011269, OMIM 602723.
Pityriasis rubra pilaris (PRP). Also called: Pityriasis rubra pilaris--familial type. Identifiers: Orphanet 2897, MedGen C0032027, MONDO:0100017, OMIM 173200, MONDO:0008251.

gnomAD v4.1: 1 of 1,613,458 alleles (0.000062%); highest among the groups gnomAD compares: Non-Finnish European, 0.000085%; no homozygotes.

Submission:

Labcorp Genetics (formerly Invitae), Labcorp
Classification: Uncertain significance for Pityriasis rubra pilaris; Psoriasis 2. Last evaluated: 2025-04-19. Review status: criteria provided, single submitter. Criteria: Invitae Variant Classification Sherloc (09022015). Collection method: clinical testing. Allele origin: germline.
Comment: This sequence change replaces alanine, which is neutral and non-polar, with valine, which is neutral and non-polar, at codon 518 of the CARD14 protein (p.Ala518Val). This variant is not present in population databases (gnomAD no frequency). This variant has not been reported in the literature in individuals affected with CARD14-related conditions. Invitae Evidence Modeling of protein sequence and biophysical properties (such as structural, functional, and spatial information, amino acid conservation, physicochemical variation, residue mobility, and thermodynamic stability) indicates that this missense variant is not expected to disrupt CARD14 protein function with a negative predictive value of 95%. Algorithms developed to predict the effect of sequence changes on RNA splicing suggest that this variant may disrupt the consensus splice site. In summary, the available evidence is currently insufficient to determine the role of this variant in disease. Therefore, it has been classified as a Variant of Uncertain Significance.

NM_001366385.1(CARD14):c.1553C>T (p.Ala518Val)

Gene: CARD14 (caspase recruitment domain family member 14; plus strand). Cytogenetic location: 17q25.3.
Variant type: single nucleotide variant.
Coding change: c.1553C>T on transcript NM_001366385.1 (MANE Select); coding-DNA position 1553, C replaced by T.
Protein change: p.Ala518Val; replaces alanine 518 with valine.
Molecular consequence: missense variant. On other transcripts: non-coding transcript variant (1).
Genome position (GRCh38, 1-based): chr17:80,195,611, C>T. VCF-style: chr17-80195611-C-T. GRCh37 (hg19) VCF-style: chr17-78169410-C-T.
Other names: c.1553C>T, p.Ala518Val (NM_001257970.1, NM_024110.4); c.842C>T, p.Ala281Val (NM_052819.3); short protein forms A518V, A281V.
Identifiers: ClinVar variation 4793612 (VCV004793612.1).